The following is an entry in ClinVar:

NC_000007.13:g.(?_66098242)_(66098451_?)dup

Gene: KCTD7 (potassium channel tetramerization domain containing 7; plus strand). Cytogenetic location: 7q11.21.
Variant type: Duplication.
Identifiers: ClinVar variation 584347 (VCV000584347.7).

ClinVar aggregate classification (germline): Likely pathogenic (1 of 4 stars; one submission).

Conditions:
Progressive myoclonic epilepsy type 3. Also called: EPILEPSY, PROGRESSIVE MYOCLONIC, 3, WITH OR WITHOUT INTRACELLULAR INCLUSIONS; CEROID LIPOFUSCINOSIS, NEURONAL, 14; EPILEPSY, PROGRESSIVE MYOCLONIC, 3, WITHOUT INTRACELLULAR INCLUSIONS; KCTD7-Related Progressive Myoclonic Epilepsy. Identifiers: Orphanet 263516, MedGen C2673257, MONDO:0012721, OMIM 611726.

Submission:

Labcorp Genetics (formerly Invitae), Labcorp
Classification: Likely pathogenic for Progressive myoclonic epilepsy type 3. Last evaluated: 2022-06-20. Review status: criteria provided, single submitter. Criteria: Invitae Variant Classification Sherloc (09022015). Collection method: clinical testing. Allele origin: germline.
Comment: In summary, the currently available evidence indicates that the variant is pathogenic, but additional data are needed to prove that conclusively. Therefore, this variant has been classified as Likely Pathogenic. This variant has not been reported in the literature in individuals affected with KCTD7-related conditions. This variant results in a copy number gain of the genomic region encompassing exon(s) 2 of the KCTD7 gene. While the exact position of this variant cannot be determined from the data, sub-genic copy number gains are generally in tandem (PMID: 25640679). This variant is predicted to be out-of-frame, and may result in an absent or disrupted protein product. Loss-of-function variants in KCTD7 are known to be pathogenic (PMID: 22693283).

Literature cited by the submitters: PubMed 25640679; PubMed 22693283.